The following is an entry in ClinVar:

NM_001080453.3(INTS1):c.350-8C>T

Gene: INTS1 (integrator complex subunit 1; minus strand). Cytogenetic location: 7p22.3.
Variant type: single nucleotide variant.
Coding change: c.350-8C>T on transcript NM_001080453.3 (MANE Select); 8 bases into the intron before coding-DNA position 350, C replaced by T.
Molecular consequence: intron variant.
Genome position (GRCh38, 1-based): chr7:1,500,374, G>A on the plus strand (C>T on the coding strand, the complement: INTS1 is on the minus strand). VCF-style: chr7-1500374-G-A. GRCh37 (hg19) VCF-style: chr7-1540010-G-A.
Identifiers: ClinVar variation 2499034 (VCV002499034.29), dbSNP rs186035133, ClinGen allele CA4120806.
Genomic context (GRCh38, chr7:1,500,374, plus strand): 5'-GTTGCCCTCCAGCTCGGCCGCCTCGATCTCATCCAGCAGCACCGTGGGCAGCACTGGCCG[G>A]GGCAGGCGGTACGGTCAGAACGGGGCCAGGGCAGGGTCACCCCAAAGCCTCGGGACACCG-3'

ClinVar aggregate classification (germline): Benign/Likely benign. Review status: criteria provided, multiple submitters, no conflicts (2 of 4 stars). 2 submissions from 2 submitters: Benign (1); Likely benign (1). Last evaluated 2024-11-26.

Allele frequency attached by ClinVar (database versions not stated): 1000 Genomes Project 0.00180; 1000 Genomes Project 30x 0.00187; ESP Exome Variant Server 0.00228; TOPMed 0.00288; gnomAD exomes 0.00296; ExAC 0.00411.
gnomAD v4.1: 4,616 of 1,556,758 alleles (0.3%); highest among the groups gnomAD compares: Middle Eastern, 1.1%; 13 homozygotes.

Submissions (2):

Blueprint Genetics
Classification: Likely benign. Last evaluated: 2024-11-26. Review status: criteria provided, single submitter. Criteria: ACMG Guidelines, 2015. Collection method: clinical testing. Allele origin: germline.

CeGaT Center for Human Genetics Tuebingen
Classification: Benign. Last evaluated: 2024-08-01. Review status: criteria provided, single submitter. Criteria: CeGaT Center For Human Genetics Tuebingen Variant Classification Criteria Version 2. Collection method: clinical testing. Allele origin: germline. Affected: yes. Observed: 13 variant alleles.
Comment: INTS1: BP4, BS1, BS2